The following is an entry in ClinVar:

NM_000260.4(MYO7A):c.4128G>C (p.Lys1376Asn)

Gene: MYO7A (myosin VIIA; plus strand). Cytogenetic location: 11q13.5.
Variant type: single nucleotide variant.
Coding change: c.4128G>C on transcript NM_000260.4 (MANE Select); coding-DNA position 4128, G replaced by C.
Protein change: p.Lys1376Asn; replaces lysine 1376 with asparagine.
Molecular consequence: missense variant.
Genome position (GRCh38, 1-based): chr11:77,192,254, G>C. VCF-style: chr11-77192254-G-C. GRCh37 (hg19) VCF-style: chr11-76903299-G-C.
Other names: c.4128G>C, p.Lys1376Asn (NM_001127180.2); c.4095G>C, p.Lys1365Asn (NM_001369365.1); short protein forms K1376N, K1365N.
Identifiers: ClinVar variation 881872 (VCV000881872.10), dbSNP rs370601111, ClinGen allele CA6198324.

ClinVar aggregate classification (germline): Uncertain significance. Review status: criteria provided, multiple submitters, no conflicts (2 of 4 stars). 5 submissions from 3 submitters: Uncertain significance (4). 1 of the submissions does not count toward it. Last evaluated 2021-08-27.

Conditions:
Autosomal dominant nonsyndromic hearing loss 11. Identifiers: Orphanet 90635, MedGen C1832475, MONDO:0011032, OMIM 601317.
Usher syndrome type 1 (USH1). Also called: RETINITIS PIGMENTOSA AND CONGENITAL DEAFNESS. Identifiers: Orphanet 231169, Orphanet 886, MedGen C1568247, MONDO:0010168, OMIM 276900.
Autosomal recessive nonsyndromic hearing loss 2. Also called: DEAFNESS, AUTOSOMAL RECESSIVE 2; NEUROSENSORY NONSYNDROMIC RECESSIVE DEAFNESS 2. Identifiers: Orphanet 90636, MedGen C1838701, MONDO:0010807, OMIM 600060.
Usher syndrome type 1B (USH1B). Also called: Usher syndrome type IB. Identifiers: MedGen C1848638, MONDO:0700087.

Allele frequency attached by ClinVar (database versions not stated): ExAC 0.00001; TOPMed 0.00001; gnomAD 0.00003; ESP Exome Variant Server 0.00008.
gnomAD v4.1: 4 of 1,613,946 alleles (0.00025%); highest among the groups gnomAD compares: African/African-American, 0.0013%; no homozygotes.

Submissions (5):

Labcorp Genetics (formerly Invitae), Labcorp
Classification: Uncertain significance. Last evaluated: 2021-08-27. Review status: criteria provided, single submitter. Criteria: Invitae Variant Classification Sherloc (09022015). Collection method: clinical testing. Allele origin: germline.
Comment: This sequence change replaces lysine with asparagine at codon 1376 of the MYO7A protein (p.Lys1376Asn). The lysine residue is highly conserved and there is a moderate physicochemical difference between lysine and asparagine. This variant is present in population databases (rs370601111, ExAC 0.002%). This variant has not been reported in the literature in individuals affected with MYO7A-related conditions. Algorithms developed to predict the effect of missense changes on protein structure and function are either unavailable or do not agree on the potential impact of this missense change (SIFT: "Deleterious"; PolyPhen-2: "Probably Damaging"; Align-GVGD: "Class C0"). In summary, the available evidence is currently insufficient to determine the role of this variant in disease. Therefore, it has been classified as a Variant of Uncertain Significance.

Illumina Laboratory Services, Illumina
Classification: Uncertain significance for Usher syndrome type 1. Last evaluated: 2018-01-13. Review status: criteria provided, single submitter. Criteria: ICSL Variant Classification Criteria 13 December 2019. Collection method: clinical testing. Allele origin: germline.

Illumina Laboratory Services, Illumina
Classification: Uncertain significance for Autosomal recessive nonsyndromic hearing loss 2. Last evaluated: 2018-01-13. Review status: criteria provided, single submitter. Criteria: ICSL Variant Classification Criteria 13 December 2019. Collection method: clinical testing. Allele origin: germline.

Illumina Laboratory Services, Illumina
Classification: Uncertain significance for Autosomal dominant nonsyndromic hearing loss 11. Last evaluated: 2018-01-13. Review status: criteria provided, single submitter. Criteria: ICSL Variant Classification Criteria 13 December 2019. Collection method: clinical testing. Allele origin: germline.

Natera, Inc.
Classification: Uncertain significance for Usher syndrome type 1B. Last evaluated: 2020-12-17. Review status: no assertion criteria provided. Collection method: clinical testing. Allele origin: germline. Not counted in ClinVar's aggregate classification.